The following is an entry in ClinVar:

NM_001256627.2(BRSK2):c.450C>T (p.Asp150=)

Gene: BRSK2 (BR serine/threonine kinase 2; plus strand). Cytogenetic location: 11p15.5.
Variant type: single nucleotide variant.
Coding change: c.450C>T on transcript NM_001256627.2 (MANE Select); coding-DNA position 450, C replaced by T.
Protein change: p.Asp150=; no amino-acid change (aspartic acid 150 retained).
Molecular consequence: synonymous variant. On other transcripts: non-coding transcript variant (1).
Genome position (GRCh38, 1-based): chr11:1,442,526, C>T. VCF-style: chr11-1442526-C-T. GRCh37 (hg19) VCF-style: chr11-1463756-C-T.
Other names: c.450C>T, p.Asp150= (NM_001256629.2, NM_003957.4); c.588C>T, p.Asp196= (NM_001256630.1); c.270C>T, p.Asp90= (NM_001282218.2).
Identifiers: ClinVar variation 2570782 (VCV002570782.28), dbSNP rs201565203, ClinGen allele CA5810503.

ClinVar aggregate classification (germline): Likely benign. Review status: criteria provided, multiple submitters, no conflicts (2 of 4 stars). 2 submissions from 2 submitters: Likely benign (2). Last evaluated 2024-11-22.

Allele frequency attached by ClinVar (database versions not stated): 1000 Genomes Project 0.00040; 1000 Genomes Project 30x 0.00047; TOPMed 0.00139; ESP Exome Variant Server 0.00177; gnomAD exomes 0.00193; gnomAD 0.00208; ExAC 0.00218.
gnomAD v4.1: 3,128 of 1,613,080 alleles (0.19%); highest among the groups gnomAD compares: Non-Finnish European, 0.21%; 7 homozygotes.

Submissions (2):

Blueprint Genetics
Classification: Likely benign. Last evaluated: 2024-11-22. Review status: criteria provided, single submitter. Criteria: ACMG Guidelines, 2015. Collection method: clinical testing. Allele origin: germline.

CeGaT Center for Human Genetics Tuebingen
Classification: Likely benign. Last evaluated: 2024-10-01. Review status: criteria provided, single submitter. Criteria: CeGaT Center For Human Genetics Tuebingen Variant Classification Criteria Version 2. Collection method: clinical testing. Allele origin: germline. Affected: yes. Observed: 19 variant alleles.
Comment: BRSK2: BP4, BP7